The following is an entry in ClinVar:

NM_017654.4(SAMD9):c.2887T>C (p.Tyr963His)

Gene: SAMD9 (sterile alpha motif domain containing 9; minus strand). Cytogenetic location: 7q21.2.
Variant type: single nucleotide variant.
Coding change: c.2887T>C on transcript NM_017654.4 (MANE Select); coding-DNA position 2887, T replaced by C.
Protein change: p.Tyr963His; replaces tyrosine 963 with histidine.
Molecular consequence: missense variant.
Genome position (GRCh38, 1-based): chr7:93,103,211, A>G on the plus strand (T>C on the coding strand, the complement: SAMD9 is on the minus strand). VCF-style: chr7-93103211-A-G. GRCh37 (hg19) VCF-style: chr7-92732524-A-G.
Other names: c.2887T>C, p.Tyr963His (NM_001193307.2); short protein forms Y963H.
Identifiers: ClinVar variation 4629882 (VCV004629882.1).
Genomic context (GRCh38, chr7:93,103,211, plus strand): 5'-TGCGTACTCCACAGTAGTTCCCACATTCGATGACCTCTGTTTTTATCAGAATTGTAGAGT[A>G]GGTGCCCATCTTGTCTTCAAATTTTTCTGTCCCCCAGAAAGCCTTCTTGTTTCCAATTCC-3'
Protein context (NP_060124.2, residues 953-973): TEKFEDKMGT[Tyr963His]STILIKTEVI

ClinVar aggregate classification (germline): Uncertain significance (1 of 4 stars; one submission).

Conditions:
Inborn genetic diseases. Identifiers: MedGen C0950123, MeSH D030342.

gnomAD v4.1: 2 of 1,613,834 alleles (0.00012%); highest among the groups gnomAD compares: African/African-American, 0.0027%; no homozygotes.

Submission:

Ambry Genetics
Classification: Uncertain significance for Inborn genetic diseases. Last evaluated: 2025-10-19. Review status: criteria provided, single submitter. Criteria: Ambry Variant Classification Scheme 2023. Collection method: clinical testing. Allele origin: germline.
Comment: The p.Y963H variant (also known as c.2887T>C), located in coding exon 1 of the SAMD9 gene, results from a T to C substitution at nucleotide position 2887. The tyrosine at codon 963 is replaced by histidine, an amino acid with similar properties. This amino acid position is conserved. In addition, this alteration is predicted to be tolerated by in silico analysis. Based on the available evidence, the clinical significance of this variant remains unclear.